The following is an entry in ClinVar:

NM_030912.3(TRIM8):c.1039A>C (p.Met347Leu)

Gene: TRIM8 (tripartite motif containing 8; plus strand). Cytogenetic location: 10q24.32.
Variant type: single nucleotide variant.
Coding change: c.1039A>C on transcript NM_030912.3 (MANE Select); coding-DNA position 1039, A replaced by C.
Protein change: p.Met347Leu; replaces methionine 347 with leucine.
Molecular consequence: missense variant. On other transcripts: non-coding transcript variant (1).
Genome position (GRCh38, 1-based): chr10:102,656,376, A>C. VCF-style: chr10-102656376-A-C. GRCh37 (hg19) VCF-style: chr10-104416133-A-C.
Other names: c.943A>C, p.Met315Leu (NM_001345950.1); short protein forms M315L, M347L.
Identifiers: ClinVar variation 2786789 (VCV002786789.3), dbSNP rs767955241, ClinGen allele CA377930945.

ClinVar aggregate classification (germline): Uncertain significance (1 of 4 stars; one submission).

Submission:

Labcorp Genetics (formerly Invitae), Labcorp
Classification: Uncertain significance. Last evaluated: 2023-01-16. Review status: criteria provided, single submitter. Criteria: Invitae Variant Classification Sherloc (09022015). Collection method: clinical testing. Allele origin: germline.
Comment: This sequence change replaces methionine, which is neutral and non-polar, with leucine, which is neutral and non-polar, at codon 347 of the TRIM8 protein (p.Met347Leu). This variant is not present in population databases (gnomAD no frequency). This variant has not been reported in the literature in individuals affected with TRIM8-related conditions. In summary, the available evidence is currently insufficient to determine the role of this variant in disease. Therefore, it has been classified as a Variant of Uncertain Significance. Algorithms developed to predict the effect of missense changes on protein structure and function output the following: SIFT: "Tolerated"; PolyPhen-2: "Benign"; Align-GVGD: "Class C0". The leucine amino acid residue is found in multiple mammalian species, which suggests that this missense change does not adversely affect protein function.